The following is an entry in ClinVar:

NM_080680.3(COL11A2):c.8G>T (p.Arg3Leu)

Gene: COL11A2 (collagen type XI alpha 2 chain; minus strand). Cytogenetic location: 6p21.32.
Variant type: single nucleotide variant.
Coding change: c.8G>T on transcript NM_080680.3 (MANE Select); coding-DNA position 8, G replaced by T.
Protein change: p.Arg3Leu; replaces arginine 3 with leucine.
Molecular consequence: missense variant. On other transcripts: intron variant (1).
Genome position (GRCh38, 1-based): chr6:33,192,233, C>A on the plus strand (G>T on the coding strand, the complement: COL11A2 is on the minus strand). VCF-style: chr6-33192233-C-A. GRCh37 (hg19) VCF-style: chr6-33160010-C-A.
Other names: c.8G>T, p.Arg3Leu (NM_001163771.2, NM_001424108.1, NM_080679.3 and 1 more transcripts); c.-765+792G>T (NM_001424111.1); short protein forms R3L.
Identifiers: ClinVar variation 3368888 (VCV003368888.2).

ClinVar aggregate classification (germline): Uncertain significance. Review status: criteria provided, multiple submitters, no conflicts (2 of 4 stars). 2 submissions from 2 submitters: Uncertain significance (2). Last evaluated 2024-02-05.

Submissions (2):

GeneDx
Classification: Uncertain significance. Last evaluated: 2024-02-05. Review status: criteria provided, single submitter. Criteria: GeneDx Variant Classification Process June 2021. Collection method: clinical testing. Allele origin: germline. Affected: yes.
Comment: Has not been previously published as pathogenic or benign to our knowledge; Not observed at significant frequency in large population cohorts (gnomAD); In silico analysis supports that this missense variant does not alter protein structure/function

Blueprint Genetics
Classification: Uncertain significance. Last evaluated: 2019-07-04. Review status: criteria provided, single submitter. Criteria: ACMG Guidelines, 2015. Collection method: clinical testing. Allele origin: germline.